The following is an entry in ClinVar:

NM_182920.2(ADAMTS9):c.3819C>T (p.Ile1273=)

Gene: ADAMTS9 (ADAM metallopeptidase with thrombospondin type 1 motif 9; minus strand). Cytogenetic location: 3p14.1.
Variant type: single nucleotide variant.
Coding change: c.3819C>T on transcript NM_182920.2 (MANE Select); coding-DNA position 3819, C replaced by T.
Protein change: p.Ile1273=; no amino-acid change (isoleucine 1273 retained).
Molecular consequence: synonymous variant.
Genome position (GRCh38, 1-based): chr3:64,602,142, G>A on the plus strand (C>T on the coding strand, the complement: ADAMTS9 is on the minus strand). VCF-style: chr3-64602142-G-A. GRCh37 (hg19) VCF-style: chr3-64587818-G-A.
Other names: c.3735C>T, p.Ile1245= (NM_001318781.2).
Identifiers: ClinVar variation 1266552 (VCV001266552.13), dbSNP rs6771712, ClinGen allele CA2480712.

ClinVar aggregate classification (germline): Benign. Review status: criteria provided, multiple submitters, no conflicts (2 of 4 stars). 4 submissions from 4 submitters: Benign (3). 1 of the submissions does not count toward it. Last evaluated 2026-01-27.

Conditions:
ADAMTS9-related disorder. Also called: ADAMTS9-related condition.

Allele frequency attached by ClinVar (database versions not stated): gnomAD 0.08486 and 0.08989; ESP Exome Variant Server 0.09380; 1000 Genomes Project 0.05851; 1000 Genomes Project 30x 0.05996; gnomAD exomes 0.06163 and 0.07128; ExAC 0.06320; TOPMed 0.08341.
gnomAD v4.1: 116,902 of 1,613,974 alleles (7.2%); highest among the groups gnomAD compares: African/African-American, 14%; 4,852 homozygotes.

Submissions (4):

Labcorp Genetics (formerly Invitae), Labcorp
Classification: Benign. Last evaluated: 2026-01-27. Review status: criteria provided, single submitter. Criteria: Invitae Variant Classification Sherloc (09022015). Collection method: clinical testing. Allele origin: germline.

GeneDx
Classification: Benign. Last evaluated: 2021-05-04. Review status: criteria provided, single submitter. Criteria: GeneDx Variant Classification Process June 2021. Collection method: clinical testing. Allele origin: germline. Affected: yes.

Breakthrough Genomics
Classification: Benign. Review status: criteria provided, single submitter. Criteria: ACMG Guidelines, 2015. Collection method: not provided. Allele origin: germline. Inheritance: Unknown mechanism. Affected: yes.

PreventionGenetics, part of Exact Sciences
Classification: Benign for ADAMTS9-related condition. Last evaluated: 2020-01-02. Review status: no assertion criteria provided. Collection method: clinical testing. Allele origin: germline. Not counted in ClinVar's aggregate classification.
Comment: This variant is classified as benign based on ACMG/AMP sequence variant interpretation guidelines (Richards et al. 2015 PMID: 25741868, with internal and published modifications).